The following is an entry in ClinVar:

ClinVar aggregate classification (germline): Uncertain significance (1 of 4 stars; one submission).

Conditions:
RYR1-related disorder. Also called: RYR1-related condition; RYR1-related disorders. Identifiers: MedGen CN239331.

Allele frequency attached by ClinVar (database versions not stated): ExAC 0.00001; TOPMed 0.00003; 1000 Genomes Project 30x 0.00016; 1000 Genomes Project 0.00020.
gnomAD v4.1: 12 of 1,613,396 alleles (0.00074%); highest among the groups gnomAD compares: Admixed American, 0.0083%; no homozygotes.

Submission:

Labcorp Genetics (formerly Invitae), Labcorp
Classification: Uncertain significance for RYR1-related disorder. Last evaluated: 2025-08-21. Review status: criteria provided, single submitter. Criteria: Invitae Variant Classification Sherloc (09022015). Collection method: clinical testing. Allele origin: germline.
Comment: This sequence change affects codon 15 of the RYR1 mRNA. It is a 'silent' change, meaning that it does not change the encoded amino acid sequence of the RYR1 protein. This variant also falls at the last nucleotide of exon 1, which is part of the consensus splice site for this exon. This variant is present in population databases (rs200117623, gnomAD 0.004%). This variant has not been reported in the literature in individuals affected with RYR1-related conditions. ClinVar contains an entry for this variant (Variation ID: 2175683). Variants that disrupt the consensus splice site are a relatively common cause of aberrant splicing (PMID: 17576681, 9536098). Algorithms developed to predict the effect of sequence changes on RNA splicing suggest that this variant is not likely to affect RNA splicing. In summary, the available evidence is currently insufficient to determine the role of this variant in disease. Therefore, it has been classified as a Variant of Uncertain Significance.

Literature cited by the submitters: PubMed 17576681; PubMed 9536098.

NM_000540.3(RYR1):c.45G>A (p.Thr15=)

Gene: RYR1 (ryanodine receptor 1; plus strand). Cytogenetic location: 19q13.2.
Variant type: single nucleotide variant.
Coding change: c.45G>A on transcript NM_000540.3 (MANE Select); coding-DNA position 45, G replaced by A.
Protein change: p.Thr15=; no amino-acid change (threonine 15 retained).
Molecular consequence: synonymous variant.
Genome position (GRCh38, 1-based): chr19:38,433,874, G>A. VCF-style: chr19-38433874-G-A. GRCh37 (hg19) VCF-style: chr19-38924514-G-A.
Other names: c.45G>A, p.Thr15= (NM_001042723.2).
Identifiers: ClinVar variation 2175683 (VCV002175683.3), dbSNP rs200117623, ClinGen allele CA066225.